The following is an entry in ClinVar:

NM_000368.5(TSC1):c.108C>G (p.Asp36Glu)

Gene: TSC1 (TSC complex subunit 1; minus strand). Cytogenetic location: 9q34.13.
Variant type: single nucleotide variant.
Coding change: c.108C>G on transcript NM_000368.5 (MANE Select); coding-DNA position 108, C replaced by G.
Protein change: p.Asp36Glu; replaces aspartic acid 36 with glutamic acid.
Molecular consequence: missense variant. On other transcripts: 5 prime UTR variant (9), non-coding transcript variant (4), intron variant (9).
Genome position (GRCh38, 1-based): chr9:132,927,303, G>C on the plus strand (C>G on the coding strand, the complement: TSC1 is on the minus strand). VCF-style: chr9-132927303-G-C. GRCh37 (hg19) VCF-style: chr9-135802690-G-C.
Other names: c.108C>G, p.Asp36Glu (NM_001162426.2, NM_001162427.2, NM_001406592.1 and 21 more transcripts); c.-381C>G (NM_001406615.1, NM_001406623.1); c.-348C>G (NM_001406616.1, NM_001406624.1); c.-770C>G (NM_001406626.1, NM_001406627.1, NM_001406628.1); c.-912C>G (NM_001406629.1); c.-986C>G (NM_001406630.1); c.-153-1564C>G (NM_001406620.1, NM_001406618.1); c.-154+1464C>G (NM_001406625.1, NM_001406621.1, NM_001406617.1 and 3 more transcripts); and 1 more; short protein forms D36E.
Identifiers: ClinVar variation 2562900 (VCV002562900.2), dbSNP rs886063624, ClinGen allele CA375375237.
Genomic context (GRCh38, chr9:132,927,303, plus strand): 5'-CGGCTGAGAGCTGGTTTCCAGGTAATAATCCACCAAGGTGTTTACAAGCATAGGGCCACG[G>C]TCTAAATCAAGAAAAGGGCAATGGATGATACTTATTCCCCTTAACATCCTAAATTTACCT-3'
Protein context (NP_000359.1, residues 26-46): TAVFKENLNS[Asp36Glu]RGPMLVNTLV

ClinVar aggregate classification (germline): Uncertain significance (1 of 4 stars; one submission).

Conditions:
Hereditary cancer-predisposing syndrome. Also called: Neoplastic Syndromes, Hereditary; Hereditary Cancer Syndrome; Hereditary neoplastic syndrome; Tumor predisposition. Identifiers: Orphanet 140162, MedGen C0027672, MeSH D009386, MONDO:0015356.

Submission:

Ambry Genetics
Classification: Uncertain significance for Hereditary cancer-predisposing syndrome. Last evaluated: 2023-06-01. Review status: criteria provided, single submitter. Criteria: Ambry Variant Classification Scheme 2023. Collection method: clinical testing. Allele origin: germline.
Comment: The p.D36E variant (also known as c.108C>G), located in coding exon 2 of the TSC1 gene, results from a C to G substitution at nucleotide position 108. The aspartic acid at codon 36 is replaced by glutamic acid, an amino acid with highly similar properties. This amino acid position is conserved. In addition, this alteration is predicted to be tolerated by in silico analysis. Since supporting evidence is limited at this time, the clinical significance of this alteration remains unclear.